The following is an entry in ClinVar:

ClinVar aggregate classification (germline): Uncertain significance (1 of 4 stars; one submission).

Conditions:
Familial adenomatous polyposis 1 (FAP1). Also called: FAMILIAL ADENOMATOUS POLYPOSIS 1, ATTENUATED; POLYPOSIS, ADENOMATOUS INTESTINAL. Identifiers: MedGen C2713442, MONDO:0021056, OMIM 175100. Disease mechanism: loss of function.

Allele frequency attached by ClinVar (database versions not stated): gnomAD exomes below 0.00001; 1000 Genomes Project 0.00020; 1000 Genomes Project 30x 0.00016.
gnomAD v4.1: 2 of 497,466 alleles (0.0004%); highest among the groups gnomAD compares: South Asian, 0.0039%; no homozygotes.

Submission:

Labcorp Genetics (formerly Invitae), Labcorp
Classification: Uncertain significance for Familial adenomatous polyposis 1. Last evaluated: 2026-01-19. Review status: criteria provided, single submitter. Criteria: Invitae Variant Classification Sherloc (09022015). Collection method: clinical testing. Allele origin: germline.
Comment: This variant occurs in a non-coding region of the APC gene. It does not change the encoded amino acid sequence of the APC protein. This variant is not present in population databases (gnomAD no frequency). This variant has not been reported in the literature in individuals affected with APC-related conditions. Experimental studies and prediction algorithms are not available or were not evaluated, and the functional significance of this variant is currently unknown. In summary, the available evidence is currently insufficient to determine the role of this variant in disease. Therefore, it has been classified as a Variant of Uncertain Significance.

NM_001127511.3(APC):c.-184G>A

Genes: APC (APC regulator of Wnt signaling pathway; plus strand), LOC129994371 (ATAC-STARR-seq lymphoblastoid active region 22910; plus strand). Cytogenetic location: 5q22.2.
Variant type: single nucleotide variant.
Coding change: c.-184G>A on transcript NM_001127511.3; 184 bases upstream of the start codon, G replaced by A.
Molecular consequence: 5 prime UTR variant. On other transcripts: non-coding transcript variant (2).
Genome position (GRCh38, 1-based): chr5:112,707,534, G>A. VCF-style: chr5-112707534-G-A. GRCh37 (hg19) VCF-style: chr5-112043231-G-A.
Other names: c.-367G>A (NM_001354895.2, NM_001407447.1, NM_001407452.1 and 3 more transcripts); c.-184G>A (NM_001354897.2, NM_001354902.2, NM_001407446.1); c.-134G>A (NM_001407448.1, NM_001407450.1, NM_001407457.1 and 1 more transcripts); c.-158G>A (NM_001407453.1); c.-1402G>A (NM_001407470.1, NM_001407472.1).
Identifiers: ClinVar variation 1006296 (VCV001006296.7), dbSNP rs575784409, ClinGen allele CA124924853.